The following is an entry in ClinVar:

NM_003660.4(PPFIA3):c.579G>A (p.Gln193=)

Gene: PPFIA3 (PPFI scaffold protein A3; plus strand). Cytogenetic location: 19q13.33.
Variant type: single nucleotide variant.
Coding change: c.579G>A on transcript NM_003660.4 (MANE Select); coding-DNA position 579, G replaced by A.
Protein change: p.Gln193=; no amino-acid change (glutamine 193 retained).
Molecular consequence: synonymous variant. On other transcripts: non-coding transcript variant (1).
Genome position (GRCh38, 1-based): chr19:49,129,451, G>A. VCF-style: chr19-49129451-G-A. GRCh37 (hg19) VCF-style: chr19-49632708-G-A.
Identifiers: ClinVar variation 5038859 (VCV005038859.1).

ClinVar aggregate classification (germline): Likely benign (1 of 4 stars; one submission).

gnomAD v4.1: 296 of 1,553,308 alleles (0.019%); highest among the groups gnomAD compares: Middle Eastern, 0.13%; no homozygotes.

Submission:

CeGaT Center for Human Genetics Tuebingen
Classification: Likely benign. Last evaluated: 2026-08-01. Review status: criteria provided, single submitter. Criteria: CeGaT Center For Human Genetics Tuebingen Variant Classification Criteria Version 2. Collection method: clinical testing. Allele origin: germline. Affected: yes. Observed: 1 variant allele.
Comment: PPFIA3: BP4, BP7